The following is an entry in ClinVar:

NM_015046.7(SETX):c.4192T>A (p.Cys1398Ser)

Gene: SETX (senataxin; minus strand). Cytogenetic location: 9q34.13.
Variant type: single nucleotide variant.
Coding change: c.4192T>A on transcript NM_015046.7 (MANE Select); coding-DNA position 4192, T replaced by A.
Protein change: p.Cys1398Ser; replaces cysteine 1398 with serine.
Molecular consequence: missense variant.
Genome position (GRCh38, 1-based): chr9:132,327,406, A>T on the plus strand (T>A on the coding strand, the complement: SETX is on the minus strand). VCF-style: chr9-132327406-A-T. GRCh37 (hg19) VCF-style: chr9-135202793-A-T.
Other names: c.4192T>A, p.Cys1398Ser (NM_001351527.2, NM_001351528.2); short protein forms C1398S.
Identifiers: ClinVar variation 3358148 (VCV003358148.1).

ClinVar aggregate classification (germline): Uncertain significance (0 of 4 stars; one submission).

Conditions:
SETX-related disorder. Also called: SETX-related condition; SETX-related disorders. Identifiers: MedGen CN239403.

Submission:

PreventionGenetics, part of Exact Sciences
Classification: Uncertain significance for SETX-related condition. Last evaluated: 2024-07-03. Review status: no assertion criteria provided. Collection method: clinical testing. Allele origin: germline.
Comment: The SETX c.4192T>A variant is predicted to result in the amino acid substitution p.Cys1398Ser. To our knowledge, this variant has not been reported in the literature. This variant is reported in 0.00088% of alleles in individuals of European (non-Finnish) descent in gnomAD. At this time, the clinical significance of this variant is uncertain due to the absence of conclusive functional and genetic evidence.